The following is an entry in ClinVar:

NM_000487.6(ARSA):c.419A>T (p.His140Leu)

Gene: ARSA (arylsulfatase A; minus strand). Cytogenetic location: 22q13.33.
Variant type: single nucleotide variant.
Coding change: c.419A>T on transcript NM_000487.6 (MANE Select); coding-DNA position 419, A replaced by T.
Protein change: p.His140Leu; replaces histidine 140 with leucine.
Molecular consequence: missense variant.
Genome position (GRCh38, 1-based): chr22:50,627,212, T>A on the plus strand (A>T on the coding strand, the complement: ARSA is on the minus strand). VCF-style: chr22-50627212-T-A. GRCh37 (hg19) VCF-style: chr22-51065640-T-A.
Other names: c.419A>T, p.His140Leu (NM_001085425.3, NM_001085426.3, NM_001085427.3); c.161A>T, p.His54Leu (NM_001085428.3, NM_001362782.2); short protein forms H54L, H140L.
Identifiers: ClinVar variation 964677 (VCV000964677.11), dbSNP rs2082687894, ClinGen allele CA412180308.

ClinVar aggregate classification (germline): Uncertain significance. Review status: criteria provided, multiple submitters, no conflicts (2 of 4 stars). 2 submissions from 2 submitters: Uncertain significance (2). Last evaluated 2022-11-29.

Conditions:
Metachromatic leukodystrophy (MLD). Also called: Cerebral sclerosis diffuse metachromatic form; ARSA DEFICIENCY; CEREBROSIDE SULFATASE DEFICIENCY; METACHROMATIC LEUKOENCEPHALOPATHY; Arylsulfatase A Deficiency; SULFATIDE LIPIDOSIS. Identifiers: Orphanet 512, MedGen C0023522, MONDO:0018868, OMIM 250100.

Allele frequency attached by ClinVar (database versions not stated): gnomAD exomes below 0.00001.

Submissions (2):

Labcorp Genetics (formerly Invitae), Labcorp
Classification: Uncertain significance for Metachromatic leukodystrophy. Last evaluated: 2022-11-29. Review status: criteria provided, single submitter. Criteria: Invitae Variant Classification Sherloc (09022015). Collection method: clinical testing. Allele origin: germline.
Comment: This variant disrupts the p.His140 amino acid residue in ARSA. Other variant(s) that disrupt this residue have been determined to be pathogenic (PMID: 18786133, 19606494; Invitae). This suggests that this residue is clinically significant, and that variants that disrupt this residue are likely to be disease-causing. Advanced modeling of protein sequence and biophysical properties (such as structural, functional, and spatial information, amino acid conservation, physicochemical variation, residue mobility, and thermodynamic stability) performed at Invitae indicates that this missense variant is expected to disrupt ARSA protein function. ClinVar contains an entry for this variant (Variation ID: 964677). This variant has not been reported in the literature in individuals affected with ARSA-related conditions. This variant is not present in population databases (gnomAD no frequency). This sequence change replaces histidine, which is basic and polar, with leucine, which is neutral and non-polar, at codon 140 of the ARSA protein (p.His140Leu). In summary, the available evidence is currently insufficient to determine the role of this variant in disease. Therefore, it has been classified as a Variant of Uncertain Significance.

Neuberg Centre For Genomic Medicine, NCGM
Classification: Uncertain significance for Metachromatic leukodystrophy. Review status: criteria provided, single submitter. Criteria: ACMG Guidelines, 2015. Collection method: clinical testing. Allele origin: germline. Affected: yes.
Comment: The missense variant p.H140L in ARSA (NM_000487.6) has not been reported previously as a pathogenic variant nor as a benign variant, to our knowledge. The p.H140L variant is novel (not in any individuals) in gnomAD Exomes and is novel (not in any individuals) in 1000 Genomes. 2 variants within 6 amino acid positions of the variant p.H140L have been shown to be pathogenic, while none have been shown to be benign. The p.H140L missense variant is predicted to be damaging by both SIFT and PolyPhen2. The nucleotide c.419 in ARSA is predicted conserved by GERP++ and PhyloP across 100 vertebrates. For these reasons, this variant has been classified as Uncertain Significance.

Literature cited by the submitters: PubMed 18786133 (cited by Labcorp Genetics (formerly Invitae), Labcorp); PubMed 19606494 (cited by Labcorp Genetics (formerly Invitae), Labcorp).